The following is an entry in ClinVar:

ClinVar aggregate classification (germline): Uncertain significance (1 of 4 stars; one submission).

Conditions:
Brachyolmia-amelogenesis imperfecta syndrome. Also called: PLATYSPONDYLY WITH AMELOGENESIS IMPERFECTA; Tooth agenesis, selective, 6; Dental anomalies and short stature. Identifiers: Orphanet 2899, MedGen C1832594, MONDO:0011018, OMIM 601216. Disease mechanism: loss of function.

Submission:

Labcorp Genetics (formerly Invitae), Labcorp
Classification: Uncertain significance for Brachyolmia-amelogenesis imperfecta syndrome. Last evaluated: 2024-10-17. Review status: criteria provided, single submitter. Criteria: Invitae Variant Classification Sherloc (09022015). Collection method: clinical testing. Allele origin: germline.
Comment: This sequence change replaces cysteine, which is neutral and slightly polar, with phenylalanine, which is neutral and non-polar, at codon 1186 of the LTBP3 protein (p.Cys1186Phe). This variant is not present in population databases (gnomAD no frequency). This variant has not been reported in the literature in individuals affected with LTBP3-related conditions. An algorithm developed to predict the effect of missense changes on protein structure and function (PolyPhen-2) suggests that this variant is likely to be disruptive. In summary, the available evidence is currently insufficient to determine the role of this variant in disease. Therefore, it has been classified as a Variant of Uncertain Significance.

NM_001130144.3(LTBP3):c.3557G>T (p.Cys1186Phe)

Gene: LTBP3 (latent transforming growth factor beta binding protein 3; minus strand). Cytogenetic location: 11q13.1.
Variant type: single nucleotide variant.
Coding change: c.3557G>T on transcript NM_001130144.3 (MANE Select); coding-DNA position 3557, G replaced by T.
Protein change: p.Cys1186Phe; replaces cysteine 1186 with phenylalanine.
Molecular consequence: missense variant.
Genome position (GRCh38, 1-based): chr11:65,539,619, C>A on the plus strand (G>T on the coding strand, the complement: LTBP3 is on the minus strand). VCF-style: chr11-65539619-C-A. GRCh37 (hg19) VCF-style: chr11-65307090-C-A.
Other names: c.3065G>T, p.Cys1022Phe (NM_001164266.1); c.3416G>T, p.Cys1139Phe (NM_021070.4); short protein forms C1139F, C1186F, C1022F.
Identifiers: ClinVar variation 3717755 (VCV003717755.2).